The following is an entry in ClinVar:

NM_000465.3(BARD1):c.1569-?_*3030+?del

Gene: BARD1 (BRCA1 associated RING domain 1; minus strand).
Variant type: Deletion.
Coding change: c.1569-?_*3030+?del on transcript NM_000465.3.
Identifiers: ClinVar variation 237823 (VCV000237823.2).

ClinVar aggregate classification (germline): Pathogenic (1 of 4 stars; one submission).

Conditions:
Familial cancer of breast. Also called: BREAST CANCER, FAMILIAL; hereditary breast carcinoma; Hereditary breast cancer. Identifiers: Orphanet 227535, MedGen C0346153, MONDO:0016419, OMIM 114480. Disease mechanism: loss of function.

Submission:

Labcorp Genetics (formerly Invitae), Labcorp
Classification: Pathogenic for Familial cancer of breast. Last evaluated: 2015-12-10. Review status: criteria provided, single submitter. Criteria: Invitae Variant Classification Sherloc (09022015). Collection method: clinical testing. Allele origin: germline.
Comment: This variant is a gross deletion of the genomic region encompassing exons 7 to 11 of the BARD1 gene. The 5' boundary is likely confined to the intronic region between exons 6 and 7. The 3' end of this event is unknown as it extends through the termination codon beyond the assayed region for this gene and may encompass additional genes. While this deletion is not anticipated to result in nonsense mediated decay, it is expected to create a truncated BARD1 protein. While this particular variant has not been reported in the literature, truncating variants in BARD1 are known to be pathogenic (PMID: 21344236, 22006311, 20077502). Deletion of exons 7-11 removes the C-terminal BRCT domains of the BARD1 protein. Experimental studies have shown that the BRCT domains are required for BARD1 homology-directed repair activity and the maintenance of chromosomal stability in vitro (PMID: 17848578). For these reasons, this variant has been classified as Pathogenic.